The following is an entry in ClinVar:

ClinVar aggregate classification (germline): Uncertain significance (1 of 4 stars; one submission).

Conditions:
Hyperphosphatasia with impaired intellectual development syndrome 2. Also called: Hyperphosphatasia with intellectual disability syndrome 2; GLYCOSYLPHOSPHATIDYLINOSITOL BIOSYNTHESIS DEFECT 6. Identifiers: Orphanet 247262, MedGen C3553637, MONDO:0013882, OMIM 614749.

Allele frequency attached by ClinVar (database versions not stated): gnomAD exomes below 0.00001 and 0.00001; TOPMed 0.00001; gnomAD 0.00001.
gnomAD v4.1: 7 of 1,612,106 alleles (0.00043%); highest among the groups gnomAD compares: Non-Finnish European, 0.00059%; no homozygotes.

Submission:

Labcorp Genetics (formerly Invitae), Labcorp
Classification: Uncertain significance for Hyperphosphatasia with impaired intellectual development syndrome 2. Last evaluated: 2021-12-02. Review status: criteria provided, single submitter. Criteria: Invitae Variant Classification Sherloc (09022015). Collection method: clinical testing. Allele origin: germline.
Comment: This sequence change replaces glycine, which is neutral and non-polar, with arginine, which is basic and polar, at codon 707 of the PIGO protein (p.Gly707Arg). The frequency data for this variant in the population databases is considered unreliable, as metrics indicate poor data quality at this position in the gnomAD database. This variant has not been reported in the literature in individuals affected with PIGO-related conditions. Algorithms developed to predict the effect of missense changes on protein structure and function are either unavailable or do not agree on the potential impact of this missense change (SIFT: "Tolerated"; PolyPhen-2: "Probably Damaging"; Align-GVGD: "Class C0"). In summary, the available evidence is currently insufficient to determine the role of this variant in disease. Therefore, it has been classified as a Variant of Uncertain Significance.

NM_032634.4(PIGO):c.2119G>A (p.Gly707Arg)

Gene: PIGO (phosphatidylinositol glycan anchor biosynthesis class O; minus strand). Cytogenetic location: 9p13.3.
Variant type: single nucleotide variant.
Coding change: c.2119G>A on transcript NM_032634.4 (MANE Select); coding-DNA position 2119, G replaced by A.
Protein change: p.Gly707Arg; replaces glycine 707 with arginine.
Molecular consequence: missense variant. On other transcripts: intron variant (2).
Genome position (GRCh38, 1-based): chr9:35,091,768, C>T on the plus strand (G>A on the coding strand, the complement: PIGO is on the minus strand). VCF-style: chr9-35091768-C-T. GRCh37 (hg19) VCF-style: chr9-35091765-C-T.
Other names: c.1345-477G>A (NM_152850.4, NM_001201484.2); short protein forms G707R.
Identifiers: ClinVar variation 1397186 (VCV001397186.5), dbSNP rs1013394440, ClinGen allele CA192710589.